The following is an entry in ClinVar:

ClinVar aggregate classification (germline): Uncertain significance (1 of 4 stars; one submission).

Allele frequency attached by ClinVar (database versions not stated): gnomAD exomes 0.00001 and 0.00002; ExAC 0.00004.

Submission:

GeneDx
Classification: Uncertain significance. Last evaluated: 2020-07-01. Review status: criteria provided, single submitter. Criteria: GeneDx Variant Classification Process June 2021. Collection method: clinical testing. Allele origin: germline. Affected: yes.
Comment: Has not been previously published as pathogenic or benign to our knowledge; Not observed at a significant frequency in large population cohorts (Lek et al., 2016); In silico analysis supports that this missense variant has a deleterious effect on protein structure/function

NM_001083614.2(EARS2):c.911C>A (p.Pro304His)

Gene: EARS2 (glutamyl-tRNA synthetase 2, mitochondrial; minus strand). Cytogenetic location: 16p12.2.
Variant type: single nucleotide variant.
Coding change: c.911C>A on transcript NM_001083614.2 (MANE Select); coding-DNA position 911, C replaced by A.
Protein change: p.Pro304His; replaces proline 304 with histidine.
Molecular consequence: missense variant. On other transcripts: non-coding transcript variant (1).
Genome position (GRCh38, 1-based): chr16:23,534,935, G>T on the plus strand (C>A on the coding strand, the complement: EARS2 is on the minus strand). VCF-style: chr16-23534935-G-T. GRCh37 (hg19) VCF-style: chr16-23546256-G-T.
Other names: c.911C>A, p.Pro304His (NM_001308211.1); short protein forms P304H.
Identifiers: ClinVar variation 1212878 (VCV001212878.3), dbSNP rs565383416, ClinGen allele CA7962479.
Genomic context (GRCh38, chr16:23,534,935, plus strand): 5'-GGTGGGCACGTACCTGCAAAACCTGAGCCACAGTTGGTGATGATGTCCAACAAGGAATCG[G>T]GCAGGAAGCCATCAGCAGCAAAGTGCTCCAGGAAAACGTCCCCTTGCCTCTTGGAGAGCT-3'
Protein context (NP_001077083.1, residues 294-314): LEHFAADGFL[Pro304His]DSLLDIITNC